The following is an entry in ClinVar:

NM_000091.5(COL4A3):c.2507G>C (p.Gly836Ala)

Genes: COL4A3 (collagen type IV alpha 3 chain; plus strand), MFF-DT (MFF divergent transcript; minus strand). Cytogenetic location: 2q36.3.
Variant type: single nucleotide variant.
Coding change: c.2507G>C on transcript NM_000091.5 (MANE Select); coding-DNA position 2507, G replaced by C.
Protein change: p.Gly836Ala; replaces glycine 836 with alanine.
Molecular consequence: missense variant.
Genome position (GRCh38, 1-based): chr2:227,282,383, G>C. VCF-style: chr2-227282383-G-C. GRCh37 (hg19) VCF-style: chr2-228147099-G-C.
Other names: short protein forms G836A.
Identifiers: ClinVar variation 4817224 (VCV004817224.1).
Genomic context (GRCh38, chr2:227,282,383, plus strand): 5'-GCATTTGTGGGTTAATTAATTCATTCATTTATTCGTACACAGGCAGAAGAGGTAAAACGG[G>C]GCCAAAGGGAGACCCAGGAATTCCAGGCTTGGATAGATCAGGATTTCCTGGAGAAACTGG-3'
Protein context (NP_000082.2, residues 826-846): KGQQGRRGKT[Gly836Ala]PKGDPGIPGL

ClinVar aggregate classification (germline): Likely pathogenic (1 of 4 stars; one submission).

Conditions:
Alport syndrome. Also called: Hemorrhagic familial nephritis; Hemorrhagic hereditary nephritis; Congenital hereditary hematuria. Identifiers: Orphanet 63, MedGen C1567741, MONDO:0018965.

gnomAD v4.1: 1 of 1,612,410 alleles (0.000062%); highest among the groups gnomAD compares: South Asian, 0.0011%; no homozygotes.

Submission:

Natera, Inc.
Classification: Likely pathogenic for Alport syndrome. Last evaluated: 2024-05-29. Review status: criteria provided, single submitter. Criteria: Natera Variant Classification Schema (03/2026). Collection method: clinical testing. Allele origin: germline.
Comment: The c.2507G>C variant in COL4A3 is a missense variant predicted to cause substitution of glycine to alanine at amino acid 836. This variant is rare in the general population with a frequency below the threshold expected for the associated phenotype(s). This variant is located in a functionally critical region of the protein. A different variant at the same position has been determined to be Pathogenic or Likely Pathogenic. Computational prediction algorithms indicate this variant is likely to affect gene or protein function. Given the available evidence, this variant is classified as Likely Pathogenic.